The following is an entry in ClinVar:

ClinVar aggregate classification (germline): Likely benign (1 of 4 stars; one submission).

Allele frequency attached by ClinVar (database versions not stated): gnomAD 0.00005; gnomAD exomes 0.00005; ExAC 0.00006; ESP Exome Variant Server 0.00015.
gnomAD v4.1: 87 of 1,613,782 alleles (0.0054%); highest among the groups gnomAD compares: East Asian, 0.011%; no homozygotes.

Submission:

CeGaT Center for Human Genetics Tuebingen
Classification: Likely benign. Last evaluated: 2023-01-01. Review status: criteria provided, single submitter. Criteria: CeGaT Center For Human Genetics Tuebingen Variant Classification Criteria Version 2. Collection method: clinical testing. Allele origin: germline. Affected: yes. Observed: 1 variant allele.
Comment: ATAD3A: BP4, BP7

NM_001170535.3(ATAD3A):c.1053C>T (p.Tyr351=)

Gene: ATAD3A (ATPase family AAA domain containing 3A; plus strand). Cytogenetic location: 1p36.33.
Variant type: single nucleotide variant.
Coding change: c.1053C>T on transcript NM_001170535.3 (MANE Select); coding-DNA position 1053, C replaced by T.
Protein change: p.Tyr351=; no amino-acid change (tyrosine 351 retained).
Molecular consequence: synonymous variant.
Genome position (GRCh38, 1-based): chr1:1,523,928, C>T. VCF-style: chr1-1523928-C-T. GRCh37 (hg19) VCF-style: chr1-1459308-C-T.
Other names: c.816C>T, p.Tyr272= (NM_001170536.3); c.1197C>T, p.Tyr399= (NM_018188.5).
Identifiers: ClinVar variation 2638035 (VCV002638035.24), dbSNP rs147404570, ClinGen allele CA526160.